The following is an entry in ClinVar:

NM_003482.4(KMT2D):c.6306A>T (p.Leu2102=)

Gene: KMT2D (lysine methyltransferase 2D; minus strand). Cytogenetic location: 12q13.12.
Variant type: single nucleotide variant.
Coding change: c.6306A>T on transcript NM_003482.4 (MANE Select); coding-DNA position 6306, A replaced by T.
Protein change: p.Leu2102=; no amino-acid change (leucine 2102 retained).
Molecular consequence: synonymous variant.
Genome position (GRCh38, 1-based): chr12:49,041,464, T>A on the plus strand (A>T on the coding strand, the complement: KMT2D is on the minus strand). VCF-style: chr12-49041464-T-A. GRCh37 (hg19) VCF-style: chr12-49435247-T-A.
Identifiers: ClinVar variation 3239543 (VCV003239543.19), dbSNP rs2498404072.
Genomic context (GRCh38, chr12:49,041,464, plus strand): 5'-GGGGGCAGCAGCGGGGGGCGGGCTGCCCAGTGCCCCTGGCTGCGGGGGAATGCGGAGATG[T>A]AGGGCCGGTCGGTCAGTCTTACGGGCTATGTCGCCCACCTTGGTCTGCTTGTTGATCTGG-3'
Protein context (NP_003473.3, residues 2092-2112): DIARKTDRPA[Leu2102=]HLRIPPQPGA

ClinVar aggregate classification (germline): Likely benign (1 of 4 stars; one submission).

Submission:

CeGaT Center for Human Genetics Tuebingen
Classification: Likely benign. Last evaluated: 2024-05-01. Review status: criteria provided, single submitter. Criteria: CeGaT Center For Human Genetics Tuebingen Variant Classification Criteria Version 2. Collection method: clinical testing. Allele origin: germline. Affected: yes. Observed: 1 variant allele.
Comment: KMT2D: PM2:Supporting, BP4, BP7